The following is an entry in ClinVar:

NM_001199085.3(TDRD5):c.2958G>C (p.Leu986=)

Gene: TDRD5 (tudor domain containing 5; plus strand). Cytogenetic location: 1q25.2.
Variant type: single nucleotide variant.
Coding change: c.2958G>C on transcript NM_001199085.3 (MANE Select); coding-DNA position 2958, G replaced by C.
Protein change: p.Leu986=; no amino-acid change (leucine 986 retained).
Molecular consequence: synonymous variant.
Genome position (GRCh38, 1-based): chr1:179,690,793, G>C. VCF-style: chr1-179690793-G-C. GRCh37 (hg19) VCF-style: chr1-179659928-G-C.
Other names: c.2958G>C, p.Leu986= (NM_001199089.3); c.2796G>C, p.Leu932= (NM_001199091.2, NM_001349923.1, NM_173533.5); c.1461G>C, p.Leu487= (NM_001199092.2).
Identifiers: ClinVar variation 2639592 (VCV002639592.24), dbSNP rs200779614, ClinGen allele CA1268084.

ClinVar aggregate classification (germline): Likely benign (1 of 4 stars; one submission).

Allele frequency attached by ClinVar (database versions not stated): ESP Exome Variant Server 0.00046; gnomAD 0.00058; ExAC 0.00078; 1000 Genomes Project 30x 0.00125; 1000 Genomes Project 0.00140.
gnomAD v4.1: 801 of 1,614,242 alleles (0.05%); highest among the groups gnomAD compares: South Asian, 0.33%; 1 homozygote.

Submission:

CeGaT Center for Human Genetics Tuebingen
Classification: Likely benign. Last evaluated: 2023-03-01. Review status: criteria provided, single submitter. Criteria: CeGaT Center For Human Genetics Tuebingen Variant Classification Criteria Version 2. Collection method: clinical testing. Allele origin: germline. Affected: yes. Observed: 1 variant allele.
Comment: TDRD5: BP4, BP7